The following is an entry in ClinVar:

NM_020877.5(DNAH2):c.10564G>A (p.Val3522Met)

Gene: DNAH2 (dynein axonemal heavy chain 2; plus strand). Cytogenetic location: 17p13.1.
Variant type: single nucleotide variant.
Coding change: c.10564G>A on transcript NM_020877.5 (MANE Select); coding-DNA position 10564, G replaced by A.
Protein change: p.Val3522Met; replaces valine 3522 with methionine.
Molecular consequence: missense variant.
Genome position (GRCh38, 1-based): chr17:7,818,670, G>A. VCF-style: chr17-7818670-G-A. GRCh37 (hg19) VCF-style: chr17-7721988-G-A.
Other names: short protein forms V3522M.
Identifiers: ClinVar variation 3032775 (VCV003032775.2), dbSNP rs201086789, ClinGen allele CA8359166.

ClinVar aggregate classification (germline): Likely benign (0 of 4 stars; one submission).

Conditions:
DNAH2-related disorder. Also called: DNAH2-related condition.

Allele frequency attached by ClinVar (database versions not stated): TOPMed 0.00007; ExAC 0.00011; ESP Exome Variant Server 0.00015.
gnomAD v4.1: 113 of 1,613,960 alleles (0.007%); highest among the groups gnomAD compares: Non-Finnish European, 0.0031%; no homozygotes.

Submission:

PreventionGenetics, part of Exact Sciences
Classification: Likely benign for DNAH2-related condition. Last evaluated: 2022-10-08. Review status: no assertion criteria provided. Collection method: clinical testing. Allele origin: germline.
Comment: This variant is classified as likely benign based on ACMG/AMP sequence variant interpretation guidelines (Richards et al. 2015 PMID: 25741868, with internal and published modifications).